The following is an entry in ClinVar:

NM_032603.5(LOXL3):c.1283G>T (p.Gly428Val)

Gene: LOXL3 (lysyl oxidase like 3; minus strand). Cytogenetic location: 2p13.1.
Variant type: single nucleotide variant.
Coding change: c.1283G>T on transcript NM_032603.5 (MANE Select); coding-DNA position 1283, G replaced by T.
Protein change: p.Gly428Val; replaces glycine 428 with valine.
Molecular consequence: missense variant.
Genome position (GRCh38, 1-based): chr2:74,535,721, C>A on the plus strand (G>T on the coding strand, the complement: LOXL3 is on the minus strand). VCF-style: chr2-74535721-C-A. GRCh37 (hg19) VCF-style: chr2-74762848-C-A.
Other names: c.848G>T, p.Gly283Val (NM_001289164.3); c.200G>T, p.Gly67Val (NM_001289165.2); short protein forms G428V, G67V, G283V.
Identifiers: ClinVar variation 1998205 (VCV001998205.4), dbSNP rs2529941409, ClinGen allele CA347388210.

ClinVar aggregate classification (germline): Uncertain significance (1 of 4 stars; one submission).

Submission:

Labcorp Genetics (formerly Invitae), Labcorp
Classification: Uncertain significance. Last evaluated: 2022-05-24. Review status: criteria provided, single submitter. Criteria: Invitae Variant Classification Sherloc (09022015). Collection method: clinical testing. Allele origin: germline.
Comment: In summary, the available evidence is currently insufficient to determine the role of this variant in disease. Therefore, it has been classified as a Variant of Uncertain Significance. Algorithms developed to predict the effect of sequence changes on RNA splicing suggest that this variant may create or strengthen a splice site. Algorithms developed to predict the effect of missense changes on protein structure and function (SIFT, PolyPhen-2, Align-GVGD) all suggest that this variant is likely to be disruptive. This variant has not been reported in the literature in individuals affected with LOXL3-related conditions. This variant is not present in population databases (gnomAD no frequency). This sequence change replaces glycine, which is neutral and non-polar, with valine, which is neutral and non-polar, at codon 428 of the LOXL3 protein (p.Gly428Val).